The following is an entry in ClinVar:

ClinVar aggregate classification (germline): Uncertain significance. Review status: criteria provided, multiple submitters, no conflicts (2 of 4 stars). 2 submissions from 2 submitters: Uncertain significance (2). Last evaluated 2025-01-14.

Conditions:
Hypertrophic cardiomyopathy 4. Also called: Familial hypertrophic cardiomyopathy 4. Identifiers: MedGen C1861862, MONDO:0007268, OMIM 115197.
Hypertrophic cardiomyopathy. Also called: HYPERTROPHIC MYOCARDIOPATHY. Identifiers: Orphanet 217569, MedGen C0007194, MeSH D002312, MONDO:0005045, HP:0001639.

Submissions (2):

Labcorp Genetics (formerly Invitae), Labcorp
Classification: Uncertain significance for Hypertrophic cardiomyopathy. Last evaluated: 2025-01-14. Review status: criteria provided, single submitter. Criteria: Invitae Variant Classification Sherloc (09022015). Collection method: clinical testing. Allele origin: germline.
Comment: This variant, c.3582_3593del, results in the deletion of 4 amino acid(s) of the MYBPC3 protein (p.Gly1195_Ala1198del), but otherwise preserves the integrity of the reading frame. This variant is not present in population databases (gnomAD no frequency). This variant has been observed in individual(s) with hypertrophic cardiomyopathy (PMID: 23396983, 27532257, 37652022). Experimental studies and prediction algorithms are not available or were not evaluated, and the functional significance of this variant is currently unknown. This variant disrupts a region of the MYBPC3 protein in which other variant(s) (p.Gly1195Val) have been observed in individuals with MYBPC3-related conditions (PMID: 33782553). This suggests that this is a clinically significant region of the protein, and that variants that disrupt it are likely to be disease-causing. In summary, the available evidence is currently insufficient to determine the role of this variant in disease. Therefore, it has been classified as a Variant of Uncertain Significance.

Victorian Clinical Genetics Services, Murdoch Childrens Research Institute
Classification: Uncertain significance for Hypertrophic cardiomyopathy 4. Last evaluated: 2020-10-19. Review status: criteria provided, single submitter. Criteria: ACMG Guidelines, 2015. Collection method: clinical testing. Allele origin: germline.
Comment: Based on the classification scheme VCGS_Germline_v1.1.1, this variant is classified as VUS - 3A. Following criteria are met: 0102 - Loss of function is a known mechanism of disease for this gene. (N) 0108 - This gene is known to be associated with both recessive and dominant disease. Heterozygous variants are frequently reported in adult onset conditions, however recessive inheritance results in a more severe early onset phenotype (OMIM). (N) 0213 - Inframe insertion/deletion in a non-repetitive region that has moderate-high conservation. (P) 0251 - Variant is heterozygous. (N) 0301 - Variant is absent from gnomAD. (P) 0600 - Variant is located in an annotated domain or motif (I-set domain; NCBI, PDB). (N) 0704 - Comparable variant has low previous evidence for pathogenicity. A missense variant in this region (p.Gly1195Val) has been reported as both likely pathogenic and as a VUS in patients with HCM (ClinVar, PMID: 22429680, PMID: 22857948). However, other missense variants within this deleted region (p.Ala1198Val, p.Thr1997Ala, p.Gly1195Asp) have been reported as VUS in HCM patients (LOVD, ClinVar), and in a patient with limb girdle muscular dystrophy (PMID: 29759638). (P) 0803 - Low previous evidence of pathogenicity in unrelated individuals. This variant has been reported once in a cohort with hypertrophic cardiomyopathy (HCM). This patient had additional variants in cardiac genes, none of which were attributed to a diagnosis (PMID: 23396983, LOVD). (P) 0905 - No segregation evidence has been identified for this variant. (N) 1007 - No published functional evidence has been identified for this variant. (N) 1208 - Inheritance information for this variant is not currently available. (N) Legend: (P) - Pathogenic, (N) - Neutral, (B) - Benign

Literature cited by the submitters: PubMed 23396983 (cited by Labcorp Genetics (formerly Invitae), Labcorp and Victorian Clinical Genetics Services, Murdoch Childrens Research Institute); PubMed 27532257 (cited by Labcorp Genetics (formerly Invitae), Labcorp); PubMed 37652022 (cited by Labcorp Genetics (formerly Invitae), Labcorp); PubMed 33782553 (cited by Labcorp Genetics (formerly Invitae), Labcorp); PubMed 22429680 (cited by Victorian Clinical Genetics Services, Murdoch Childrens Research Institute); PubMed 22857948 (cited by Victorian Clinical Genetics Services, Murdoch Childrens Research Institute); PubMed 29759638 (cited by Victorian Clinical Genetics Services, Murdoch Childrens Research Institute).

NM_000256.3(MYBPC3):c.3582_3593del (p.Gly1195_Ala1198del)

Gene: MYBPC3 (myosin binding protein C3; minus strand). Cytogenetic location: 11p11.2.
Variant type: Deletion.
Coding change: c.3582_3593del on transcript NM_000256.3 (MANE Select); coding-DNA positions 3582 to 3593, 12 bases deleted (GGGCTACACTGC).
Protein change: p.Gly1195_Ala1198del.
Genome position (GRCh38, 1-based): chr11:47,332,600-47,332,611, GCAGTGTAGCCC deleted on the plus strand (GGGCTACACTGC on the coding strand, the reverse complement: MYBPC3 is on the minus strand); deleting any 12 consecutive bases within chr11:47,332,600-47,332,613 gives the same sequence; the c. name uses the placement nearest the transcript's 3' end. VCF-style (leftmost placement, unchanged base first): chr11-47332599-AGCAGTGTAGCCC-A. GRCh37 (hg19) VCF-style: chr11-47354150-AGCAGTGTAGCCC-A.
Identifiers: ClinVar variation 3376753 (VCV003376753.3).
Genomic context (GRCh38, chr11:47,332,599, plus strand): 5'-CCTGGACCAGCGCCTAAAGTTCCCTACCTTGGGGCTACCCCGGACAGCACAGCAGAGCAT[AGCAGTGTAGCCC>A]GCGATGACCGAGCGGTTCACCAGGGGCTGGGTGAAGCTTGGGGCCTCGGAGAAGTCCAGG-3'